The following is an entry in ClinVar:

NM_032620.4(GTPBP3):c.871C>A (p.Pro291Thr)

Gene: GTPBP3 (GTP binding protein 3, mitochondrial; plus strand). Cytogenetic location: 19p13.11.
Variant type: single nucleotide variant.
Coding change: c.871C>A on transcript NM_032620.4 (MANE Select); coding-DNA position 871, C replaced by A.
Protein change: p.Pro291Thr; replaces proline 291 with threonine.
Molecular consequence: missense variant.
Genome position (GRCh38, 1-based): chr19:17,339,496, C>A. VCF-style: chr19-17339496-C-A. GRCh37 (hg19) VCF-style: chr19-17450305-C-A.
Other names: c.871C>A, p.Pro291Thr (NM_001128855.3); c.937C>A, p.Pro313Thr (NM_001195422.1); c.967C>A, p.Pro323Thr (NM_133644.4); short protein forms P313T, P291T, P323T.
Identifiers: ClinVar variation 1405531 (VCV001405531.7), dbSNP rs2145703057, ClinGen allele CA404737458.

ClinVar aggregate classification (germline): Uncertain significance (1 of 4 stars; one submission).

Submission:

Labcorp Genetics (formerly Invitae), Labcorp
Classification: Uncertain significance. Last evaluated: 2023-03-10. Review status: criteria provided, single submitter. Criteria: Invitae Variant Classification Sherloc (09022015). Collection method: clinical testing. Allele origin: germline.
Comment: This variant is not present in population databases (gnomAD no frequency). This sequence change replaces proline, which is neutral and non-polar, with threonine, which is neutral and polar, at codon 323 of the GTPBP3 protein (p.Pro323Thr). This variant has not been reported in the literature in individuals affected with GTPBP3-related conditions. In summary, the available evidence is currently insufficient to determine the role of this variant in disease. Therefore, it has been classified as a Variant of Uncertain Significance. Advanced modeling of protein sequence and biophysical properties (such as structural, functional, and spatial information, amino acid conservation, physicochemical variation, residue mobility, and thermodynamic stability) performed at Invitae indicates that this missense variant is not expected to disrupt GTPBP3 protein function. ClinVar contains an entry for this variant (Variation ID: 1405531).